The following is an entry in ClinVar:

ClinVar aggregate classification (germline): Uncertain significance (1 of 4 stars; one submission).

Conditions:
Inborn genetic diseases. Identifiers: MedGen C0950123, MeSH D030342.

Submission:

Ambry Genetics
Classification: Uncertain significance for Inborn genetic diseases. Last evaluated: 2022-05-02. Review status: criteria provided, single submitter. Criteria: Ambry Variant Classification Scheme 2023. Collection method: clinical testing. Allele origin: germline.
Comment: The p.Y197H variant (also known as c.589T>C), located in coding exon 7 of the ERCC2 gene, results from a T to C substitution at nucleotide position 589. The tyrosine at codon 197 is replaced by histidine, an amino acid with similar properties. This amino acid position is conserved. In addition, this alteration is predicted to be tolerated by in silico analysis. Since supporting evidence is limited at this time, the clinical significance of this alteration remains unclear.

NM_000400.4(ERCC2):c.589T>C (p.Tyr197His)

Gene: ERCC2 (ERCC excision repair 2, TFIIH core complex helicase subunit; minus strand). Cytogenetic location: 19q13.32.
Variant type: single nucleotide variant.
Coding change: c.589T>C on transcript NM_000400.4 (MANE Select); coding-DNA position 589, T replaced by C.
Protein change: p.Tyr197His; replaces tyrosine 197 with histidine.
Molecular consequence: missense variant.
Genome position (GRCh38, 1-based): chr19:45,364,843, A>G on the plus strand (T>C on the coding strand, the complement: ERCC2 is on the minus strand). VCF-style: chr19-45364843-A-G. GRCh37 (hg19) VCF-style: chr19-45868101-A-G.
Other names: c.517T>C, p.Tyr173His (NM_001130867.2); short protein forms Y197H, Y173H.
Identifiers: ClinVar variation 1750369 (VCV001750369.2), dbSNP rs1599744919, ClinGen allele CA406375600.
Genomic context (GRCh38, chr19:45,364,843, plus strand): 5'-CGGGCAGCCCACACCCTCACACTCGCCCCTCTGCCCATCCCACCAGCCTCCTCACTGAGT[A>G]TCGAGCAAGGAAGTATGGGCACCAGCCCTGGCGCCGCCCCAGGGCCTTCAGGTCATCCAG-3'
Protein context (NP_000391.1, residues 187-207): QGWCPYFLAR[Tyr197His]SILHANVVVY